The following is an entry in ClinVar:

NM_004333.6(BRAF):c.280C>A (p.Gln94Lys)

Gene: BRAF (B-Raf proto-oncogene, serine/threonine kinase; minus strand). Cytogenetic location: 7q34.
Variant type: single nucleotide variant.
Coding change: c.280C>A on transcript NM_004333.6 (MANE Select); coding-DNA position 280, C replaced by A.
Protein change: p.Gln94Lys; replaces glutamine 94 with lysine.
Molecular consequence: missense variant. On other transcripts: intron variant (1).
Genome position (GRCh38, 1-based): chr7:140,834,833, G>T on the plus strand (C>A on the coding strand, the complement: BRAF is on the minus strand). VCF-style: chr7-140834833-G-T. GRCh37 (hg19) VCF-style: chr7-140534633-G-T.
Other names: c.280C>A (NM_004333.4); c.280C>A, p.Gln94Lys (NM_001354609.2, NM_001374244.1, NM_001374258.1 and 5 more transcripts); c.178C>A, p.Gln60Lys (NM_001378470.1); c.124C>A, p.Gln42Lys (NM_001378472.1, NM_001378473.1); c.240+15278C>A (NM_001378475.1); short protein forms Q60K, Q42K, Q94K.
Identifiers: ClinVar variation 1346651 (VCV001346651.8), dbSNP rs1002421360, ClinGen allele CA168127413.

ClinVar aggregate classification (germline): Uncertain significance. Review status: criteria provided, single submitter (1 of 4 stars). 2 submissions from 2 submitters: Uncertain significance (1). 1 of the submissions does not count toward it. Last evaluated 2025-02-20.

Conditions:
RASopathy. Also called: Noonan spectrum disorder; rasopathies. Identifiers: Orphanet 536391, MedGen C5555857, MONDO:0021060.
BRAF-related disorder. Also called: BRAF-related condition.

Allele frequency attached by ClinVar (database versions not stated): gnomAD 0.00001; gnomAD exomes 0.00001 and 0.00004; TOPMed 0.00001.
gnomAD v4.1: 66 of 1,614,018 alleles (0.0041%); highest among the groups gnomAD compares: Non-Finnish European, 0.0053%; no homozygotes.

Submissions (2):

Labcorp Genetics (formerly Invitae), Labcorp
Classification: Uncertain significance for RASopathy. Last evaluated: 2025-02-20. Review status: criteria provided, single submitter. Criteria: Invitae Variant Classification Sherloc (09022015). Collection method: clinical testing. Allele origin: germline.
Comment: This sequence change replaces glutamine, which is neutral and polar, with lysine, which is basic and polar, at codon 94 of the BRAF protein (p.Gln94Lys). This variant is present in population databases (no rsID available, gnomAD 0.003%). This variant has not been reported in the literature in individuals affected with BRAF-related conditions. ClinVar contains an entry for this variant (Variation ID: 1346651). Invitae Evidence Modeling incorporating data from in vitro experimental studies (internal data) indicates that this missense variant is not expected to disrupt BRAF function with a negative predictive value of 95%. In summary, the available evidence is currently insufficient to determine the role of this variant in disease. Therefore, it has been classified as a Variant of Uncertain Significance.

PreventionGenetics, part of Exact Sciences
Classification: Uncertain significance for BRAF-related condition. Last evaluated: 2024-02-08. Review status: no assertion criteria provided. Collection method: clinical testing. Allele origin: germline. Not counted in ClinVar's aggregate classification.
Comment: The BRAF c.280C>A variant is predicted to result in the amino acid substitution p.Gln94Lys. To our knowledge, this variant has not been reported in the literature. This variant is reported in 0.0031% of alleles in individuals of European (Non-Finnish) descent in gnomAD. At this time, the clinical significance of this variant is uncertain due to the absence of conclusive functional and genetic evidence.